The following is an entry in ClinVar:

NM_001039591.3(USP9X):c.4562A>T (p.Asp1521Val)

Gene: USP9X (ubiquitin specific peptidase 9 X-linked; plus strand). Cytogenetic location: Xp11.4.
Variant type: single nucleotide variant.
Coding change: c.4562A>T on transcript NM_001039591.3 (MANE Select); coding-DNA position 4562, A replaced by T.
Protein change: p.Asp1521Val; replaces aspartic acid 1521 with valine.
Molecular consequence: missense variant.
Genome position (GRCh38, 1-based): chrX:41,198,709, A>T. VCF-style: chrX-41198709-A-T. GRCh37 (hg19) VCF-style: chrX-41057962-A-T.
Other names: c.4562A>T, p.Asp1521Val (NM_001039590.3); c.4577A>T, p.Asp1526Val (NM_001410748.1, NM_001410749.1); short protein forms D1521V, D1526V.
Identifiers: ClinVar variation 3897238 (VCV003897238.1).

ClinVar aggregate classification (germline): Uncertain significance (1 of 4 stars; one submission).

Submission:

GeneDx
Classification: Uncertain significance. Last evaluated: 2024-10-29. Review status: criteria provided, single submitter. Criteria: GeneDx Variant Classification Process June 2021. Collection method: clinical testing. Allele origin: germline. Affected: yes.
Comment: Not observed at significant frequency in large population cohorts (gnomAD); In silico analysis supports that this missense variant has a deleterious effect on protein structure/function; Has not been previously published as pathogenic or benign to our knowledge